The following is an entry in ClinVar:

NM_001347721.2(DYRK1A):c.1401C>T (p.His467=)

Gene: DYRK1A (dual specificity tyrosine phosphorylation regulated kinase 1A; plus strand). Cytogenetic location: 21q22.13.
Variant type: single nucleotide variant.
Coding change: c.1401C>T on transcript NM_001347721.2 (MANE Select); coding-DNA position 1401, C replaced by T.
Protein change: p.His467=; no amino-acid change (histidine 467 retained).
Molecular consequence: synonymous variant.
Genome position (GRCh38, 1-based): chr21:37,505,471, C>T. VCF-style: chr21-37505471-C-T. GRCh37 (hg19) VCF-style: chr21-38877774-C-T.
Other names: c.1401C>T, p.His467= (NM_001347722.2, NM_130436.2); c.1314C>T, p.His438= (NM_001347723.2); c.1428C>T, p.His476= (NM_001396.5, NM_101395.2, NM_130438.2).
Identifiers: ClinVar variation 392564 (VCV000392564.1), dbSNP rs1057524542, ClinGen allele CA16608061.

ClinVar aggregate classification (germline): Likely benign (1 of 4 stars; one submission).

Allele frequency attached by ClinVar (database versions not stated): gnomAD 0.00001; TOPMed 0.00001 and below 0.00001.
gnomAD v4.1: 1 of 1,614,068 alleles (0.000062%); highest among the groups gnomAD compares: Admixed American, 0.0017%; no homozygotes.

Submission:

GeneDx
Classification: Likely benign. Last evaluated: 2017-01-05. Review status: criteria provided, single submitter. Criteria: GeneDx Variant Classification (06012015). Collection method: clinical testing. Allele origin: germline. Affected: yes.
Comment: This variant is considered likely benign or benign based on one or more of the following criteria: it is a conservative change, it occurs at a poorly conserved position in the protein, it is predicted to be benign by multiple in silico algorithms, and/or has population frequency not consistent with disease.